The following is an entry in ClinVar:

NM_006734.4(HIVEP2):c.176C>G (p.Ala59Gly)

Gene: HIVEP2 (HIVEP zinc finger 2; minus strand). Cytogenetic location: 6q24.2.
Variant type: single nucleotide variant.
Coding change: c.176C>G on transcript NM_006734.4 (MANE Select); coding-DNA position 176, C replaced by G.
Protein change: p.Ala59Gly; replaces alanine 59 with glycine.
Molecular consequence: missense variant.
Genome position (GRCh38, 1-based): chr6:142,774,563, G>C on the plus strand (C>G on the coding strand, the complement: HIVEP2 is on the minus strand). VCF-style: chr6-142774563-G-C. GRCh37 (hg19) VCF-style: chr6-143095700-G-C.
Other names: short protein forms A59G.
Identifiers: ClinVar variation 3052201 (VCV003052201.2), dbSNP rs1396927644, ClinGen allele CA365916621.

ClinVar aggregate classification (germline): Uncertain significance (0 of 4 stars; one submission).

Conditions:
HIVEP2-related disorder. Also called: HIVEP2-related condition.

Allele frequency attached by ClinVar (database versions not stated): TOPMed below 0.00001; gnomAD 0.00001.

Submission:

PreventionGenetics, part of Exact Sciences
Classification: Uncertain significance for HIVEP2-related condition. Last evaluated: 2023-12-05. Review status: no assertion criteria provided. Collection method: clinical testing. Allele origin: germline.
Comment: The HIVEP2 c.176C>G variant is predicted to result in the amino acid substitution p.Ala59Gly. To our knowledge, this variant has not been reported in the literature or in a large population database, indicating this variant is rare. At this time, the clinical significance of this variant is uncertain due to the absence of conclusive functional and genetic evidence.